The following is an entry in ClinVar:

ClinVar aggregate classification (germline): Uncertain significance (1 of 4 stars; one submission).

Allele frequency attached by ClinVar (database versions not stated): gnomAD 0.00001.
gnomAD v4.1: 1 of 1,611,824 alleles (0.000062%); highest among the groups gnomAD compares: Admixed American, 0.0017%; no homozygotes.

Submission:

Labcorp Genetics (formerly Invitae), Labcorp
Classification: Uncertain significance. Last evaluated: 2021-11-30. Review status: criteria provided, single submitter. Criteria: Invitae Variant Classification Sherloc (09022015). Collection method: clinical testing. Allele origin: germline.
Comment: This sequence change replaces glutamic acid, which is acidic and polar, with alanine, which is neutral and non-polar, at codon 638 of the COL11A1 protein (p.Glu638Ala). This variant is not present in population databases (gnomAD no frequency). This variant has not been reported in the literature in individuals affected with COL11A1-related conditions. Advanced modeling of protein sequence and biophysical properties (such as structural, functional, and spatial information, amino acid conservation, physicochemical variation, residue mobility, and thermodynamic stability) performed at Invitae indicates that this missense variant is not expected to disrupt COL11A1 protein function. In summary, the available evidence is currently insufficient to determine the role of this variant in disease. Therefore, it has been classified as a Variant of Uncertain Significance.

NM_001854.4(COL11A1):c.1913A>C (p.Glu638Ala)

Gene: COL11A1 (collagen type XI alpha 1 chain; minus strand). Cytogenetic location: 1p21.1.
Variant type: single nucleotide variant.
Coding change: c.1913A>C on transcript NM_001854.4 (MANE Select); coding-DNA position 1913, A replaced by C.
Protein change: p.Glu638Ala; replaces glutamic acid 638 with alanine.
Molecular consequence: missense variant. On other transcripts: non-coding transcript variant (1).
Genome position (GRCh38, 1-based): chr1:103,004,475, T>G on the plus strand (A>C on the coding strand, the complement: COL11A1 is on the minus strand). VCF-style: chr1-103004475-T-G. GRCh37 (hg19) VCF-style: chr1-103470031-T-G.
Other names: c.1796A>C, p.Glu599Ala (NM_001190709.2); c.1949A>C, p.Glu650Ala (NM_080629.3); c.1565A>C, p.Glu522Ala (NM_080630.4); short protein forms E599A, E650A, E638A, E522A.
Identifiers: ClinVar variation 1421548 (VCV001421548.6), dbSNP rs1665410595, ClinGen allele CA341172689.